The following is an entry in ClinVar:

ClinVar aggregate classification (germline): Uncertain significance (1 of 4 stars; one submission).

Conditions:
Microcephaly, normal intelligence and immunodeficiency (NBS). Also called: IMMUNODEFICIENCY, MICROCEPHALY, AND CHROMOSOMAL INSTABILITY; Ataxia telangiectasia variant V1; SEEMANOVA SYNDROME II; BERLIN BREAKAGE SYNDROME; Nijmegen breakage syndrome; Microcephaly with normal intelligence immunodeficiency and lymphoreticular malignancies. Identifiers: Orphanet 647, MedGen C0398791, MONDO:0009623, OMIM 251260.

Submission:

Labcorp Genetics (formerly Invitae), Labcorp
Classification: Uncertain significance for Microcephaly, normal intelligence and immunodeficiency. Last evaluated: 2019-05-08. Review status: criteria provided, single submitter. Criteria: Invitae Variant Classification Sherloc (09022015). Collection method: clinical testing. Allele origin: germline.
Comment: This sequence change replaces glutamic acid with lysine at codon 146 of the NBN protein (p.Glu146Lys). The glutamic acid residue is moderately conserved and there is a small physicochemical difference between glutamic acid and lysine. In summary, the available evidence is currently insufficient to determine the role of this variant in disease. Therefore, it has been classified as a Variant of Uncertain Significance. Algorithms developed to predict the effect of missense changes on protein structure and function output the following: SIFT: "Tolerated"; PolyPhen-2: "Benign"; Align-GVGD: "Class C0". The lysine amino acid residue is found in multiple mammalian species, suggesting that this missense change does not adversely affect protein function. These predictions have not been confirmed by published functional studies and their clinical significance is uncertain. This variant has not been reported in the literature in individuals with NBN-related conditions. This variant is not present in population databases (ExAC no frequency).

NM_002485.5(NBN):c.436G>A (p.Glu146Lys)

Gene: NBN (nibrin; minus strand). Cytogenetic location: 8q21.3.
Variant type: single nucleotide variant.
Coding change: c.436G>A on transcript NM_002485.5 (MANE Select); coding-DNA position 436, G replaced by A.
Protein change: p.Glu146Lys; replaces glutamic acid 146 with lysine.
Molecular consequence: missense variant.
Genome position (GRCh38, 1-based): chr8:89,980,778, C>T on the plus strand (G>A on the coding strand, the complement: NBN is on the minus strand). VCF-style: chr8-89980778-C-T. GRCh37 (hg19) VCF-style: chr8-90993006-C-T.
Other names: c.190G>A, p.Glu64Lys (NM_001024688.3); short protein forms E64K, E146K.
Identifiers: ClinVar variation 950896 (VCV000950896.9), dbSNP rs1812023357, ClinGen allele CA371661692.